The following is an entry in ClinVar:

NM_001367873.1(SOX6):c.1408G>A (p.Gly470Arg)

Gene: SOX6 (SRY-box transcription factor 6; minus strand). Cytogenetic location: 11p15.2.
Variant type: single nucleotide variant.
Coding change: c.1408G>A on transcript NM_001367873.1 (MANE Select); coding-DNA position 1408, G replaced by A.
Protein change: p.Gly470Arg; replaces glycine 470 with arginine.
Molecular consequence: missense variant.
Genome position (GRCh38, 1-based): chr11:16,049,782, C>T on the plus strand (G>A on the coding strand, the complement: SOX6 is on the minus strand). VCF-style: chr11-16049782-C-T. GRCh37 (hg19) VCF-style: chr11-16071328-C-T.
Other names: c.1285G>A, p.Gly429Arg (NM_001145811.2, NM_001367872.1, NM_017508.3); c.1408G>A, p.Gly470Arg (NM_001145819.2, NM_033326.3); short protein forms G429R, G470R.
Identifiers: ClinVar variation 2506072 (VCV002506072.2), dbSNP rs1304667274, ClinGen allele CA379876603.

ClinVar aggregate classification (germline): Uncertain significance. Review status: criteria provided, multiple submitters, no conflicts (2 of 4 stars). 2 submissions from 2 submitters: Uncertain significance (2). Last evaluated 2026-09-11.

Conditions:
Inborn genetic diseases. Identifiers: MedGen C0950123, MeSH D030342.

Allele frequency attached by ClinVar (database versions not stated): TOPMed 0.00001; gnomAD 0.00001.
gnomAD v4.1: 1 of 1,613,396 alleles (0.000062%); highest among the groups gnomAD compares: African/African-American, 0.0013%; no homozygotes.

Submissions (2):

Ambry Genetics
Classification: Uncertain significance for Inborn genetic diseases. Last evaluated: 2026-09-11. Review status: criteria provided, single submitter. Criteria: Ambry Variant Classification Scheme 2023. Collection method: clinical testing. Allele origin: germline.

Women's Health and Genetics/Laboratory Corporation of America, LabCorp
Classification: Uncertain significance. Last evaluated: 2023-05-04. Review status: criteria provided, single submitter. Criteria: LabCorp Variant Classification Summary - May 2015. Collection method: clinical testing. Allele origin: germline.
Comment: Variant summary: SOX6 c.1408G>A (p.Gly470Arg) results in a non-conservative amino acid change in the encoded protein sequence. Four of five in-silico tools predict a damaging effect of the variant on protein function. The variant was absent in 251074 control chromosomes (gnomAD v2.1, Exomes dataset). The available data on variant occurrences in the general population are insufficient to allow any conclusion about variant significance. To our knowledge, no occurrence of c.1408G>A in individuals affected with Tolchin-Le Caignec Syndrome and no experimental evidence demonstrating its impact on protein function have been reported. No clinical diagnostic laboratories have submitted clinical-significance assessments for this variant to ClinVar after 2014. Based on the evidence outlined above, the variant was classified as uncertain significance.